The following is an entry in ClinVar:

NM_001164405.2(BHLHA9):c.221A>C (p.Glu74Ala)

Gene: BHLHA9 (basic helix-loop-helix family member a9; plus strand). Cytogenetic location: 17p13.3.
Variant type: single nucleotide variant.
Coding change: c.221A>C on transcript NM_001164405.2 (MANE Select); coding-DNA position 221, A replaced by C.
Protein change: p.Glu74Ala; replaces glutamic acid 74 with alanine.
Molecular consequence: missense variant.
Genome position (GRCh38, 1-based): chr17:1,270,784, A>C. VCF-style: chr17-1270784-A-C. GRCh37 (hg19) VCF-style: chr17-1174078-A-C.
Other names: short protein forms E74A.
Identifiers: ClinVar variation 5005691 (VCV005005691.2).

ClinVar aggregate classification (germline): Uncertain significance (1 of 4 stars; one submission).

Conditions:
Camptosynpolydactyly, complex (CCSPD). Also called: CAMPTOPOLYDACTYLY, DISORGANIZATION TYPE. Identifiers: MedGen C1843758, MONDO:0011853, OMIM 607539.
Mesoaxial synostotic syndactyly with phalangeal reduction. Identifiers: Orphanet 157801, MedGen C1836206, MONDO:0012271, OMIM 609432.

Submission:

Juno Genomics, Hangzhou Juno Genomics, Inc
Classification: Uncertain significance for Mesoaxial synostotic syndactyly with phalangeal reduction; Camptosynpolydactyly, complex. Review status: criteria provided, single submitter. Criteria: ACMG Guidelines, 2015. Collection method: clinical testing. Allele origin: germline.
Comment: Absent from controls (or at extremely low frequency if recessive) in Genome Aggregation Database.;Multiple lines of computational evidence support a deleterious effect on the gene or gene product.